The following is an entry in ClinVar:

ClinVar aggregate classification (germline): Uncertain significance. Review status: criteria provided, multiple submitters, no conflicts (2 of 4 stars). 2 submissions from 2 submitters: Uncertain significance (2). Last evaluated 2024-03-14.

gnomAD v4.1: 7 of 1,611,376 alleles (0.00043%); highest among the groups gnomAD compares: African/African-American, 0.0053%; no homozygotes.

Submissions (2):

Labcorp Genetics (formerly Invitae), Labcorp
Classification: Uncertain significance. Last evaluated: 2024-03-14. Review status: criteria provided, single submitter. Criteria: Invitae Variant Classification Sherloc (09022015). Collection method: clinical testing. Allele origin: germline.
Comment: This sequence change replaces glutamic acid, which is acidic and polar, with glutamine, which is neutral and polar, at codon 48 of the KISS1 protein (p.Glu48Gln). This variant is present in population databases (no rsID available, gnomAD 0.003%). This variant has not been reported in the literature in individuals affected with KISS1-related conditions. Algorithms developed to predict the effect of missense changes on protein structure and function output the following: SIFT: "Not Available"; PolyPhen-2: "Benign"; Align-GVGD: "Not Available". The glutamine amino acid residue is found in multiple mammalian species, which suggests that this missense change does not adversely affect protein function. In summary, the available evidence is currently insufficient to determine the role of this variant in disease. Therefore, it has been classified as a Variant of Uncertain Significance.

Ambry Genetics
Classification: Uncertain significance. Last evaluated: 2024-01-12. Review status: criteria provided, single submitter. Criteria: Ambry Variant Classification Scheme 2023. Collection method: clinical testing. Allele origin: germline.

NM_002256.4(KISS1):c.142G>C (p.Glu48Gln)

Gene: KISS1 (KiSS-1 metastasis suppressor; minus strand). Cytogenetic location: 1q32.1.
Variant type: single nucleotide variant.
Coding change: c.142G>C on transcript NM_002256.4 (MANE Select); coding-DNA position 142, G replaced by C.
Protein change: p.Glu48Gln; replaces glutamic acid 48 with glutamine.
Molecular consequence: missense variant.
Genome position (GRCh38, 1-based): chr1:204,190,759, C>G on the plus strand (G>C on the coding strand, the complement: KISS1 is on the minus strand). VCF-style: chr1-204190759-C-G. GRCh37 (hg19) VCF-style: chr1-204159887-C-G.
Other names: short protein forms E48Q.
Identifiers: ClinVar variation 3115174 (VCV003115174.3), dbSNP rs928040235, ClinGen allele CA35752247.
Genomic context (GRCh38, chr1:204,190,759, plus strand): 5'-CCCGACGGCTCAGCCTGGCAGTAGCAGCTGGCTTCCTCTCGGTGCACGGCAGGCTCTGCT[C>G]CCCGGGGGCCAGGAGGCCCAGGGATTCTAGCTGCTGGCCTAGGACAGAGGGCACAGAAAG-3'
Protein context (NP_002247.3, residues 38-58): LESLGLLAPG[Glu48Gln]QSLPCTERKP